The following is an entry in ClinVar:

NM_176824.3(BBS7):c.435T>C (p.Asp145=)

Gene: BBS7 (Bardet-Biedl syndrome 7; minus strand). Cytogenetic location: 4q27.
Variant type: single nucleotide variant.
Coding change: c.435T>C on transcript NM_176824.3 (MANE Select); coding-DNA position 435, T replaced by C.
Protein change: p.Asp145=; no amino-acid change (aspartic acid 145 retained).
Molecular consequence: synonymous variant.
Genome position (GRCh38, 1-based): chr4:121,859,085, A>G on the plus strand (T>C on the coding strand, the complement: BBS7 is on the minus strand). VCF-style: chr4-121859085-A-G. GRCh37 (hg19) VCF-style: chr4-122780240-A-G.
Other names: c.435T>C, p.Asp145= (NM_018190.4).
Identifiers: ClinVar variation 3353419 (VCV003353419.1).

ClinVar aggregate classification (germline): Likely benign (0 of 4 stars; one submission).

Conditions:
BBS7-related disorder. Also called: BBS7-related condition.

Submission:

PreventionGenetics, part of Exact Sciences
Classification: Likely benign for BBS7-related condition. Last evaluated: 2022-11-10. Review status: no assertion criteria provided. Collection method: clinical testing. Allele origin: germline.
Comment: This variant is classified as likely benign based on ACMG/AMP sequence variant interpretation guidelines (Richards et al. 2015 PMID: 25741868, with internal and published modifications).